The following is an entry in ClinVar:

NM_004006.3:c.(649+1_650-1)_(960+1_961-1)del

Gene: DMD (dystrophin; minus strand).
Variant type: Deletion.
Other names: c.(649+1_650-1)_(960+1_961-1)del (NM_004006.3).
Identifiers: ClinVar variation 4279037 (VCV004279037.1).

ClinVar aggregate classification (germline): Pathogenic (1 of 4 stars; one submission).

Conditions:
Duchenne muscular dystrophy (DMD). Also called: MUSCULAR DYSTROPHY, PSEUDOHYPERTROPHIC PROGRESSIVE, DUCHENNE TYPE; Duchenne Muscular Dystrophy (DMD). Identifiers: Orphanet 98896, MedGen C0013264, MONDO:0010679, OMIM 310200.

Submission:

Institute of Human Genetics, University of Leipzig Medical Center
Classification: Pathogenic for Duchenne muscular dystrophy. Last evaluated: 2025-08-29. Review status: criteria provided, single submitter. Criteria: ACMG Guidelines, 2015. Collection method: clinical testing. Allele origin: unknown. Inheritance: X-linked recessive inheritance. Affected: yes.
Comment: Criteria applied: PVS1, PM2, PS4